The following is an entry in ClinVar:

NM_001377.3(DYNC2H1):c.2077A>T (p.Arg693Ter)

Gene: DYNC2H1 (dynein cytoplasmic 2 heavy chain 1; plus strand). Cytogenetic location: 11q22.3.
Variant type: single nucleotide variant.
Coding change: c.2077A>T on transcript NM_001377.3 (MANE Select); coding-DNA position 2077, A replaced by T.
Protein change: p.Arg693Ter; replaces arginine 693 with a stop codon.
Molecular consequence: nonsense.
Genome position (GRCh38, 1-based): chr11:103,133,678, A>T. VCF-style: chr11-103133678-A-T. GRCh37 (hg19) VCF-style: chr11-103004407-A-T.
Other names: c.2077A>T, p.Arg693Ter (NM_001080463.2); short protein forms R693*.
Identifiers: ClinVar variation 2868520 (VCV002868520.3), dbSNP rs756811933, ClinGen allele CA6252939.

ClinVar aggregate classification (germline): Pathogenic (1 of 4 stars; one submission).

Conditions:
Jeune thoracic dystrophy. Also called: Jeune syndrome; Infantile thoracic dystrophy; Thoracic pelvic phalangeal dystrophy; Jeune's syndrome; Chondroectodermal dysplasia-like syndrome; Short-rib thoracic dysplasia. Identifiers: Orphanet 474, MedGen C0265275, MONDO:0018770.

Allele frequency attached by ClinVar (database versions not stated): ExAC 0.00001.
gnomAD v4.1: 3 of 1,611,524 alleles (0.00019%); highest among the groups gnomAD compares: Non-Finnish European, 0.00025%; no homozygotes.

Submission:

Labcorp Genetics (formerly Invitae), Labcorp
Classification: Pathogenic for Jeune thoracic dystrophy. Last evaluated: 2023-04-18. Review status: criteria provided, single submitter. Criteria: Invitae Variant Classification Sherloc (09022015). Collection method: clinical testing. Allele origin: germline.
Comment: This sequence change creates a premature translational stop signal (p.Arg693*) in the DYNC2H1 gene. It is expected to result in an absent or disrupted protein product. Loss-of-function variants in DYNC2H1 are known to be pathogenic (PMID: 23339108, 32753734). For these reasons, this variant has been classified as Pathogenic. This variant has not been reported in the literature in individuals affected with DYNC2H1-related conditions. This variant is present in population databases (rs756811933, gnomAD 0.0009%).

Literature cited by the submitters: PubMed 23339108; PubMed 32753734.